The following is an entry in ClinVar:

NM_005876.5(SPEG):c.4025C>T (p.Pro1342Leu)

Gene: SPEG (striated muscle enriched protein kinase; plus strand). Cytogenetic location: 2q35.
Variant type: single nucleotide variant.
Coding change: c.4025C>T on transcript NM_005876.5 (MANE Select); coding-DNA position 4025, C replaced by T.
Protein change: p.Pro1342Leu; replaces proline 1342 with leucine.
Molecular consequence: missense variant.
Genome position (GRCh38, 1-based): chr2:219,472,974, C>T. VCF-style: chr2-219472974-C-T. GRCh37 (hg19) VCF-style: chr2-220337696-C-T.
Other names: short protein forms P1342L.
Identifiers: ClinVar variation 2239130 (VCV002239130.5), dbSNP rs1692019857, ClinGen allele CA350752922.

ClinVar aggregate classification (germline): Uncertain significance. Review status: criteria provided, multiple submitters, no conflicts (2 of 4 stars). 3 submissions from 3 submitters: Uncertain significance (3). Last evaluated 2023-12-10.

Conditions:
Inborn genetic diseases. Identifiers: MedGen C0950123, MeSH D030342.

Allele frequency attached by ClinVar (database versions not stated): gnomAD 0.00001.
gnomAD v4.1: 7 of 1,613,722 alleles (0.00043%); highest among the groups gnomAD compares: African/African-American, 0.0093%; no homozygotes.

Submissions (3):

Labcorp Genetics (formerly Invitae), Labcorp
Classification: Uncertain significance. Last evaluated: 2023-12-10. Review status: criteria provided, single submitter. Criteria: Invitae Variant Classification Sherloc (09022015). Collection method: clinical testing. Allele origin: germline.
Comment: This sequence change replaces proline, which is neutral and non-polar, with leucine, which is neutral and non-polar, at codon 1342 of the SPEG protein (p.Pro1342Leu). This variant is not present in population databases (gnomAD no frequency). This variant has not been reported in the literature in individuals affected with SPEG-related conditions. ClinVar contains an entry for this variant (Variation ID: 2239130). An algorithm developed to predict the effect of missense changes on protein structure and function (PolyPhen-2) suggests that this variant¬¨‚Ä†is likely to be tolerated. In summary, the available evidence is currently insufficient to determine the role of this variant in disease. Therefore, it has been classified as a Variant of Uncertain Significance.

Blueprint Genetics
Classification: Uncertain significance. Last evaluated: 2023-11-23. Review status: criteria provided, single submitter. Criteria: ACMG Guidelines, 2015. Collection method: clinical testing. Allele origin: germline.

Ambry Genetics
Classification: Uncertain significance for Inborn genetic diseases. Last evaluated: 2021-07-21. Review status: criteria provided, single submitter. Criteria: Ambry Variant Classification Scheme 2023. Collection method: clinical testing. Allele origin: germline.